The following is an entry in ClinVar:

NM_000552.5(VWF):c.1759C>G (p.Leu587Val)

Gene: VWF (von Willebrand factor; minus strand). Cytogenetic location: 12p13.31.
Variant type: single nucleotide variant.
Coding change: c.1759C>G on transcript NM_000552.5 (MANE Select); coding-DNA position 1759, C replaced by G.
Protein change: p.Leu587Val; replaces leucine 587 with valine.
Molecular consequence: missense variant.
Genome position (GRCh38, 1-based): chr12:6,057,043, G>C on the plus strand (C>G on the coding strand, the complement: VWF is on the minus strand). VCF-style: chr12-6057043-G-C. GRCh37 (hg19) VCF-style: chr12-6166209-G-C.
Other names: short protein forms L587V.
Identifiers: ClinVar variation 4530021 (VCV004530021.1).

ClinVar aggregate classification (germline): Uncertain significance (1 of 4 stars; one submission).

Submission:

GeneDx
Classification: Uncertain significance. Last evaluated: 2025-05-11. Review status: criteria provided, single submitter. Criteria: GeneDx Variant Classification Process June 2021. Collection method: clinical testing. Allele origin: germline. Affected: yes.
Comment: Not observed at significant frequency in large population cohorts (gnomAD); In silico analysis suggests that this missense variant does not alter protein structure/function; Has not been previously published as pathogenic or benign to our knowledge